The following is an entry in ClinVar:

NM_000027.4(AGA):c.797dup (p.Leu267fs)

Gene: AGA (aspartylglucosaminidase; minus strand). Cytogenetic location: 4q34.3.
Variant type: Duplication.
Coding change: c.797dup on transcript NM_000027.4 (MANE Select); coding-DNA position 797, one base duplicated (T; older notation c.797dupT).
Protein change: p.Leu267fs; shifts the reading frame from leucine 267.
Molecular consequence: frameshift variant. On other transcripts: non-coding transcript variant (1).
Genome position (GRCh38, 1-based): chr4:177,434,391, A duplicated on the plus strand (T on the coding strand, the reverse complement: AGA is on the minus strand); the first of 2 consecutive A bases (chr4:177,434,391-177,434,392); duplicating either gives the same sequence. VCF-style (leftmost placement, unchanged base first): chr4-177434390-G-GA. GRCh37 (hg19) VCF-style: chr4-178355544-G-GA.
Other names: c.767dup, p.Leu257fs (NM_001171988.2); short protein forms L267fs, L257fs.
Identifiers: ClinVar variation 2789512 (VCV002789512.3), dbSNP rs778172371, ClinGen allele CA3146803.
Genomic context (GRCh38, chr4:177,434,390, plus strand): 5'-AAAAAATATCTTCTCCAAAGGTCTCTAAAATTCACAAACTAAGAAGTCATACCTTGGCAG[G>GA]AAGCGCATCAATATATCACCATTCCCAGTGGCTGCGGCTGCCCCTGCAGTATCGTCAGCA-3'

ClinVar aggregate classification (germline): Pathogenic (1 of 4 stars; one submission).

Conditions:
Aspartylglucosaminuria (AGU). Also called: AGA DEFICIENCY; GLYCOASPARAGINASE; GLYCOSYLASPARAGINASE DEFICIENCY; Aspartylglucos-aminuria; Aspartylglucos-amidase (AGA) deficiency. Identifiers: Orphanet 93, MedGen C0268225, MONDO:0008830, OMIM 208400, HP:0012068.

Submission:

Labcorp Genetics (formerly Invitae), Labcorp
Classification: Pathogenic for Aspartylglucosaminuria. Last evaluated: 2023-08-28. Review status: criteria provided, single submitter. Criteria: Invitae Variant Classification Sherloc (09022015). Collection method: clinical testing. Allele origin: germline.
Comment: For these reasons, this variant has been classified as Pathogenic. This variant has not been reported in the literature in individuals affected with AGA-related conditions. This variant is present in population databases (rs778172371, gnomAD no frequency). This sequence change creates a premature translational stop signal (p.Leu267Profs*53) in the AGA gene. It is expected to result in an absent or disrupted protein product. Loss-of-function variants in AGA are known to be pathogenic (PMID: 7627186, 11309371).

Literature cited by the submitters: PubMed 7627186; PubMed 11309371.